The following is an entry in ClinVar:

NM_001082486.2(ACD):c.1057C>T (p.His353Tyr)

Gene: ACD (ACD shelterin complex subunit and telomerase recruitment factor; minus strand). Cytogenetic location: 16q22.1.
Variant type: single nucleotide variant.
Coding change: c.1057C>T on transcript NM_001082486.2 (MANE Select); coding-DNA position 1057, C replaced by T.
Protein change: p.His353Tyr; replaces histidine 353 with tyrosine.
Molecular consequence: missense variant.
Genome position (GRCh38, 1-based): chr16:67,658,135, G>A on the plus strand (C>T on the coding strand, the complement: ACD is on the minus strand). VCF-style: chr16-67658135-G-A. GRCh37 (hg19) VCF-style: chr16-67692038-G-A.
Other names: c.970C>T, p.His324Tyr (NM_001410884.1); c.1048C>T, p.His350Tyr (NM_022914.3); short protein forms H353Y, H350Y, H324Y.
Identifiers: ClinVar variation 1769780 (VCV001769780.2), dbSNP rs781528431, ClinGen allele CA396352315.

ClinVar aggregate classification (germline): Uncertain significance (1 of 4 stars; one submission).

Conditions:
Inborn genetic diseases. Identifiers: MedGen C0950123, MeSH D030342.

gnomAD v4.1: 1 of 1,599,788 alleles (0.000063%); highest among the groups gnomAD compares: Non-Finnish European, 0.000085%; no homozygotes.

Submission:

Ambry Genetics
Classification: Uncertain significance for Inborn genetic diseases. Last evaluated: 2021-12-25. Review status: criteria provided, single submitter. Criteria: Ambry Variant Classification Scheme 2023. Collection method: clinical testing. Allele origin: germline.
Comment: The p.H439Y variant (also known as c.1315C>T), located in coding exon 10 of the ACD gene, results from a C to T substitution at nucleotide position 1315. The histidine at codon 439 is replaced by tyrosine, an amino acid with similar properties. This amino acid position is conserved. In addition, this alteration is predicted to be tolerated by in silico analysis. Since supporting evidence is limited at this time, the clinical significance of this alteration remains unclear.